The following is an entry in ClinVar:

ClinVar aggregate classification (germline): Uncertain significance (1 of 4 stars; one submission).

Allele frequency attached by ClinVar (database versions not stated): gnomAD exomes below 0.00001.
gnomAD v4.1: 2 of 1,614,052 alleles (0.00012%); highest among the groups gnomAD compares: Non-Finnish European, 0.00017%; no homozygotes.

Submission:

GeneDx
Classification: Uncertain significance. Last evaluated: 2026-04-08. Review status: criteria provided, single submitter. Criteria: GeneDx Variant Classification Process June 2021. Collection method: clinical testing. Allele origin: germline.
Comment: Not observed at significant frequency in large population cohorts (gnomAD); In silico analysis suggests that this missense variant does not alter protein structure/function; Has not been previously published as pathogenic or benign to our knowledge

NM_001127644.2(GABRA1):c.1106C>T (p.Ala369Val)

Gene: GABRA1 (gamma-aminobutyric acid type A receptor subunit alpha1; plus strand). Cytogenetic location: 5q34.
Variant type: single nucleotide variant.
Coding change: c.1106C>T on transcript NM_001127644.2 (MANE Select); coding-DNA position 1106, C replaced by T.
Protein change: p.Ala369Val; replaces alanine 369 with valine.
Molecular consequence: missense variant.
Genome position (GRCh38, 1-based): chr5:161,897,157, C>T. VCF-style: chr5-161897157-C-T. GRCh37 (hg19) VCF-style: chr5-161324163-C-T.
Other names: c.1106C>T, p.Ala369Val (NM_000806.5, NM_001127643.2, NM_001127645.2 and 1 more transcripts); short protein forms A369V.
Identifiers: ClinVar variation 3252497 (VCV003252497.2), dbSNP rs2532295704.